The following is an entry in ClinVar:

NM_015656.2(KIF26A):c.1538G>A (p.Arg513His)

Gene: KIF26A (kinesin family member 26A; plus strand). Cytogenetic location: 14q32.33.
Variant type: single nucleotide variant.
Coding change: c.1538G>A on transcript NM_015656.2 (MANE Select); coding-DNA position 1538, G replaced by A.
Protein change: p.Arg513His; replaces arginine 513 with histidine.
Molecular consequence: missense variant.
Genome position (GRCh38, 1-based): chr14:104,173,094, G>A. VCF-style: chr14-104173094-G-A. GRCh37 (hg19) VCF-style: chr14-104639431-G-A.
Other names: short protein forms R513H.
Identifiers: ClinVar variation 3376441 (VCV003376441.1).

ClinVar aggregate classification (germline): Uncertain significance (1 of 4 stars; one submission).

Conditions:
Cortical dysplasia, complex, with other brain malformations 11 (CDCBM11). Identifiers: MedGen C5774270, MONDO:0859332, OMIM 620156.

Submission:

Pittsburgh Clinical Genomics Laboratory, University of Pittsburgh Medical Center
Classification: Uncertain significance for Cortical dysplasia, complex, with other brain malformations 11. Last evaluated: 2024-06-07. Review status: criteria provided, single submitter. Criteria: ACMG Guidelines, 2015. Collection method: clinical testing. Allele origin: germline. Inheritance: Autosomal recessive inheritance. Affected: yes.
Comment: This sequence variant is a single nucleotide substitution (G>A) at position 1538 of the coding sequence of the KIF26A gene that results in an arginine to histidine amino acid change at residue 513 of the kinesin family member 26A protein. This residue falls in the kinesin motor domain of the protein (UniProt). This variant is absent from ClinVar and has not been observed in the literature in individuals with KIF26A-related disease, to our knowledge. This variant is present in 66/1604934 alleles (0.004112%) in the gnomAD v4.1.0 population database. Multiple bioinformatic tools provide conflicting predictions concerning this amino acid change, and the Arg513 residue at this position is highly conserved across the vertebrate species examined. Studies examining the functional consequence of this variant have not been performed, to our knowledge. At this time, there is insufficient evidence to determine if this variant is pathogenic or benign. Therefore, we consider this a variant of uncertain significance. ACMG Criteria: PM2